The following is an entry in ClinVar:

ClinVar aggregate classification (germline): Uncertain significance. Review status: criteria provided, multiple submitters, no conflicts (2 of 4 stars). 2 submissions from 2 submitters: Uncertain significance (2). Last evaluated 2025-05-19.

Conditions:
Inborn genetic diseases. Identifiers: MedGen C0950123, MeSH D030342.
Leber congenital amaurosis 3 (LCA3). Also called: SPATA7-Related Retinitis Pigmentosa. Identifiers: MedGen C1858677, MONDO:0011415, OMIM 604232.

Allele frequency attached by ClinVar (database versions not stated): gnomAD 0.00001; gnomAD exomes 0.00001; TOPMed 0.00001.
gnomAD v4.1: 12 of 1,613,918 alleles (0.00074%); highest among the groups gnomAD compares: African/African-American, 0.0013%; no homozygotes.

Submissions (2):

Ambry Genetics
Classification: Uncertain significance for Inborn genetic diseases. Last evaluated: 2025-05-19. Review status: criteria provided, single submitter. Criteria: Ambry Variant Classification Scheme 2023. Collection method: clinical testing. Allele origin: germline.

Labcorp Genetics (formerly Invitae), Labcorp
Classification: Uncertain significance for Leber congenital amaurosis 3. Last evaluated: 2022-06-09. Review status: criteria provided, single submitter. Criteria: Invitae Variant Classification Sherloc (09022015). Collection method: clinical testing. Allele origin: germline.
Comment: In summary, the available evidence is currently insufficient to determine the role of this variant in disease. Therefore, it has been classified as a Variant of Uncertain Significance. Algorithms developed to predict the effect of missense changes on protein structure and function are either unavailable or do not agree on the potential impact of this missense change (SIFT: "Deleterious"; PolyPhen-2: "Probably Damaging"; Align-GVGD: "Class C0"). This variant has not been reported in the literature in individuals affected with SPATA7-related conditions. This variant is present in population databases (rs553234090, gnomAD 0.002%). This sequence change replaces lysine, which is basic and polar, with glutamic acid, which is acidic and polar, at codon 265 of the SPATA7 protein (p.Lys265Glu).

NM_018418.5(SPATA7):c.793A>G (p.Lys265Glu)

Gene: SPATA7 (spermatogenesis associated 7; plus strand). Cytogenetic location: 14q31.3.
Variant type: single nucleotide variant.
Coding change: c.793A>G on transcript NM_018418.5 (MANE Select); coding-DNA position 793, A replaced by G.
Protein change: p.Lys265Glu; replaces lysine 265 with glutamic acid.
Molecular consequence: missense variant.
Genome position (GRCh38, 1-based): chr14:88,426,652, A>G. VCF-style: chr14-88426652-A-G. GRCh37 (hg19) VCF-style: chr14-88892996-A-G.
Other names: c.793A>G (NM_018418.4); c.697A>G, p.Lys233Glu (NM_001040428.4); short protein forms K233E, K265E.
Identifiers: ClinVar variation 1353726 (VCV001353726.9), dbSNP rs553234090, ClinGen allele CA264534820.